The following is an entry in ClinVar:

NM_001368882.1(COL13A1):c.477C>T (p.Asp159=)

Gene: COL13A1 (collagen type XIII alpha 1 chain; plus strand). Cytogenetic location: 10q22.1.
Variant type: single nucleotide variant.
Coding change: c.477C>T on transcript NM_001368882.1 (MANE Select); coding-DNA position 477, C replaced by T.
Protein change: p.Asp159=; no amino-acid change (aspartic acid 159 retained).
Molecular consequence: synonymous variant. On other transcripts: 5 prime UTR variant (1), intron variant (5).
Genome position (GRCh38, 1-based): chr10:69,880,517, C>T. VCF-style: chr10-69880517-C-T. GRCh37 (hg19) VCF-style: chr10-71640273-C-T.
Other names: c.450C>T, p.Asp150= (NM_001130103.2, NM_080800.4, NM_080801.4 and 1 more transcripts); c.477C>T, p.Asp159= (NM_001320951.2, NM_001368884.1); c.441C>T, p.Asp147= (NM_001368883.1, NM_001368885.1); c.-124C>T (NM_001368886.1); c.387C>T, p.Asp129= (NM_001368895.1); c.400-6939C>T (NM_080805.4, NM_001368897.1); c.373-6939C>T (NM_001368898.1, NM_080798.4, NM_001368896.1).
Identifiers: ClinVar variation 736374 (VCV000736374.42), dbSNP rs368265883, ClinGen allele CA5534180.

ClinVar aggregate classification (germline): Likely benign. Review status: criteria provided, multiple submitters, no conflicts (2 of 4 stars). 4 submissions from 4 submitters: Likely benign (3). 1 of the submissions does not count toward it. Last evaluated 2026-08-01.

Conditions:
COL13A1-related disorder. Also called: COL13A1-related condition.

Allele frequency attached by ClinVar (database versions not stated): gnomAD exomes 0.00044 and 0.00071; gnomAD 0.00053 and 0.00056; 1000 Genomes Project 0.00060; 1000 Genomes Project 30x 0.00062; ESP Exome Variant Server 0.00068; ExAC 0.00069; TOPMed 0.00074.
gnomAD v4.1: 744 of 1,613,170 alleles (0.046%); highest among the groups gnomAD compares: South Asian, 0.24%; 1 homozygote.

Submissions (4):

CeGaT Center for Human Genetics Tuebingen
Classification: Likely benign. Last evaluated: 2026-08-01. Review status: criteria provided, single submitter. Criteria: CeGaT Center For Human Genetics Tuebingen Variant Classification Criteria Version 2. Collection method: clinical testing. Allele origin: germline. Affected: yes. Observed: 3 variant alleles.
Comment: COL13A1: BP4, BP7

Labcorp Genetics (formerly Invitae), Labcorp
Classification: Likely benign. Last evaluated: 2026-01-27. Review status: criteria provided, single submitter. Criteria: Invitae Variant Classification Sherloc (09022015). Collection method: clinical testing. Allele origin: germline.

Breakthrough Genomics
Classification: Likely benign. Review status: criteria provided, single submitter. Criteria: ACMG Guidelines, 2015. Collection method: not provided. Allele origin: germline. Inheritance: Autosomal recessive inheritance. Affected: yes.

PreventionGenetics, part of Exact Sciences
Classification: Likely benign for COL13A1-related condition. Last evaluated: 2019-09-13. Review status: no assertion criteria provided. Collection method: clinical testing. Allele origin: germline. Not counted in ClinVar's aggregate classification.
Comment: This variant is classified as likely benign based on ACMG/AMP sequence variant interpretation guidelines (Richards et al. 2015 PMID: 25741868, with internal and published modifications).